The following is an entry in ClinVar:

NM_032043.3(BRIP1):c.1534G>A (p.Glu512Lys)

Gene: BRIP1 (BRCA1 interacting DNA helicase 1; minus strand). Cytogenetic location: 17q23.2.
Variant type: single nucleotide variant.
Coding change: c.1534G>A on transcript NM_032043.3 (MANE Select); coding-DNA position 1534, G replaced by A.
Protein change: p.Glu512Lys; replaces glutamic acid 512 with lysine.
Molecular consequence: missense variant.
Genome position (GRCh38, 1-based): chr17:61,784,364, C>T on the plus strand (G>A on the coding strand, the complement: BRIP1 is on the minus strand). VCF-style: chr17-61784364-C-T. GRCh37 (hg19) VCF-style: chr17-59861725-C-T.
Other names: short protein forms E512K.
Identifiers: ClinVar variation 2932539 (VCV002932539.3), dbSNP rs1603336980, ClinGen allele CA400481268.

ClinVar aggregate classification (germline): Uncertain significance (1 of 4 stars; one submission).

Conditions:
Fanconi anemia complementation group J. Also called: BRIP1-Related Fanconi Anemia. Identifiers: Orphanet 84, MedGen C1836860, MONDO:0012187, OMIM 609054.
Familial cancer of breast. Also called: BREAST CANCER, FAMILIAL; Hereditary breast cancer; hereditary breast carcinoma. Identifiers: Orphanet 227535, MedGen C0346153, MONDO:0016419, OMIM 114480. Disease mechanism: loss of function.

Allele frequency attached by ClinVar (database versions not stated): gnomAD exomes below 0.00001.
gnomAD v4.1: 2 of 1,613,362 alleles (0.00012%); highest among the groups gnomAD compares: South Asian, 0.0022%; no homozygotes.

Submission:

Labcorp Genetics (formerly Invitae), Labcorp
Classification: Uncertain significance for Familial cancer of breast; Fanconi anemia complementation group J. Last evaluated: 2024-09-23. Review status: criteria provided, single submitter. Criteria: Invitae Variant Classification Sherloc (09022015). Collection method: clinical testing. Allele origin: germline.
Comment: This sequence change replaces glutamic acid, which is acidic and polar, with lysine, which is basic and polar, at codon 512 of the BRIP1 protein (p.Glu512Lys). This variant is not present in population databases (gnomAD no frequency). This variant has not been reported in the literature in individuals affected with BRIP1-related conditions. Invitae Evidence Modeling of protein sequence and biophysical properties (such as structural, functional, and spatial information, amino acid conservation, physicochemical variation, residue mobility, and thermodynamic stability) indicates that this missense variant is not expected to disrupt BRIP1 protein function with a negative predictive value of 80%. In summary, the available evidence is currently insufficient to determine the role of this variant in disease. Therefore, it has been classified as a Variant of Uncertain Significance.